The following is an entry in ClinVar:

NM_000088.4(COL1A1):c.2582C>G (p.Ala861Gly)

Gene: COL1A1 (collagen type I alpha 1 chain; minus strand). Cytogenetic location: 17q21.33.
Variant type: single nucleotide variant.
Coding change: c.2582C>G on transcript NM_000088.4 (MANE Select); coding-DNA position 2582, C replaced by G.
Protein change: p.Ala861Gly; replaces alanine 861 with glycine.
Molecular consequence: missense variant.
Genome position (GRCh38, 1-based): chr17:50,189,890, G>C on the plus strand (C>G on the coding strand, the complement: COL1A1 is on the minus strand). VCF-style: chr17-50189890-G-C. GRCh37 (hg19) VCF-style: chr17-48267251-G-C.
Other names: short protein forms A861G.
Identifiers: ClinVar variation 3768014 (VCV003768014.2).

ClinVar aggregate classification (germline): Conflicting classifications of pathogenicity. Review status: criteria provided, conflicting classifications (1 of 4 stars). 2 submissions from 2 submitters: Uncertain significance (1); Likely benign (1). Last evaluated 2025-11-03.

Conditions:
Osteogenesis imperfecta type I (OI1). Also called: OI, TYPE I; OSTEOGENESIS IMPERFECTA TARDA; OSTEOGENESIS IMPERFECTA WITH BLUE SCLERAE; Lobstein disease; Classic Non-deforming Osteogenesis Imperfecta with Blue Sclerae; Osteogenesis imperfecta type 1. Identifiers: Orphanet 216796, Orphanet 666, MedGen C0023931, MONDO:0008146, OMIM 166200. Disease mechanism: loss of function.

gnomAD v4.1: 3 of 1,612,158 alleles (0.00019%); highest among the groups gnomAD compares: Middle Eastern, 0.05%; no homozygotes.

Submissions (2):

Labcorp Genetics (formerly Invitae), Labcorp
Classification: Likely benign for Osteogenesis imperfecta type I. Last evaluated: 2025-11-03. Review status: criteria provided, single submitter. Criteria: Invitae Variant Classification Sherloc (09022015). Collection method: clinical testing. Allele origin: germline.

Women's Health and Genetics/Laboratory Corporation of America, LabCorp
Classification: Uncertain significance. Last evaluated: 2024-12-16. Review status: criteria provided, single submitter. Criteria: LabCorp Variant Classification Summary - May 2015. Collection method: clinical testing. Allele origin: germline.
Comment: Variant summary: COL1A1 c.2582C>G (p.Ala861Gly) results in a non-conservative amino acid change located in the Collagen triple helix repeat domain (IPR008160) of the encoded protein sequence. Three of five in-silico tools predict a damaging effect of the variant on protein function. The variant allele was found at a frequency of 4.1e-06 in 246120 control chromosomes. The available data on variant occurrences in the general population are insufficient to allow any conclusion about variant significance. To our knowledge, no occurrence of c.2582C>G in individuals affected with Osteogenesis Imperfecta and no experimental evidence demonstrating its impact on protein function have been reported. No submitters have cited clinical-significance assessments for this variant to ClinVar. Based on the evidence outlined above, the variant was classified as uncertain significance.